The following is an entry in ClinVar:

ClinVar aggregate classification (germline): Uncertain significance (1 of 4 stars; one submission).

Submission:

Ambry Genetics
Classification: Uncertain significance. Last evaluated: 2024-02-22. Review status: criteria provided, single submitter. Criteria: Ambry Variant Classification Scheme 2023. Collection method: clinical testing. Allele origin: germline.
Comment: The p.A123P variant (also known as c.367G>C), located in coding exon 1 of the EGLN1 gene, results from a G to C substitution at nucleotide position 367. The alanine at codon 123 is replaced by proline, an amino acid with highly similar properties. This amino acid position is conserved. In addition, this alteration is predicted to be tolerated by in silico analysis. Based on the available evidence, the clinical significance of this alteration remains unclear.

NM_022051.3(EGLN1):c.367G>C (p.Ala123Pro)

Gene: EGLN1 (egl-9 family hypoxia inducible factor 1; minus strand). Cytogenetic location: 1q42.2.
Variant type: single nucleotide variant.
Coding change: c.367G>C on transcript NM_022051.3 (MANE Select); coding-DNA position 367, G replaced by C.
Protein change: p.Ala123Pro; replaces alanine 123 with proline.
Molecular consequence: missense variant.
Genome position (GRCh38, 1-based): chr1:231,421,522, C>G on the plus strand (G>C on the coding strand, the complement: EGLN1 is on the minus strand). VCF-style: chr1-231421522-C-G. GRCh37 (hg19) VCF-style: chr1-231557268-C-G.
Other names: c.367G>C, p.Ala123Pro (NM_001377260.1, NM_001377261.1); short protein forms A123P.
Identifiers: ClinVar variation 3227712 (VCV003227712.1), dbSNP rs2102947774, ClinGen allele CA345237427.